The following is an entry in ClinVar:

NM_002473.6(MYH9):c.1728+37_1728+44del

Gene: MYH9 (myosin heavy chain 9; minus strand). Cytogenetic location: 22q12.3.
Variant type: Deletion.
Coding change: c.1728+37_1728+44del on transcript NM_002473.6 (MANE Select); bases 37 to 44 of the intron after coding-DNA position 1728, 8 bases deleted (TCACAGGA; older notation c.1728+37_1728+44delTCACAGGA).
Molecular consequence: intron variant.
Genome position (GRCh38, 1-based): chr22:36,312,005-36,312,012, TCCTGTGA deleted on the plus strand (TCACAGGA on the coding strand, the reverse complement: MYH9 is on the minus strand). VCF-style (leftmost placement, unchanged base first): chr22-36312004-CTCCTGTGA-C. GRCh37 (hg19) VCF-style: chr22-36708049-CTCCTGTGA-C.
Identifiers: ClinVar variation 258730 (VCV000258730.6), dbSNP rs3842715, ClinGen allele CA10210220.
Genomic context (GRCh38, chr22:36,312,004, plus strand): 5'-ACACCCCTGCGTCCCCAGCAGCTGCCCGGCTCCTGGTCCTAGAGAGCCTCGACTCCACCT[CTCCTGTGA>C]AGATCTGGCCAGCACCTCCCCGTGAGCGCTCCTCACCTTGCCGGCATAGTGGATAATGCA-3'

ClinVar aggregate classification (germline): Benign. Review status: criteria provided, multiple submitters, no conflicts (2 of 4 stars). 5 submissions from 4 submitters: Benign (5). Last evaluated 2024-07-15.

Conditions:
Macrothrombocytopenia and granulocyte inclusions with or without nephritis or sensorineural hearing loss (MATINS). Also called: MACROTHROMBOCYTOPENIA WITH LEUKOCYTE INCLUSIONS; BLEEDING DISORDER, PLATELET-TYPE, 6; MAY-HEGGLIN ANOMALY; DOHLE LEUKOCYTE INCLUSIONS WITH GIANT PLATELETS; MYH9-Related Disease (MYH9-RD); SEBASTIAN PLATELET SYNDROME. Identifiers: Orphanet 182050, MedGen C5200934, MONDO:0015912, OMIM 155100.
Autosomal dominant nonsyndromic hearing loss 17. Also called: Deafness, autosomal dominant 17; Autosomal dominant nonsyndromic deafness 17. Identifiers: Orphanet 90635, MedGen C1863659, MONDO:0011350, OMIM 603622.

Allele frequency attached by ClinVar (database versions not stated): gnomAD exomes 0.27217 and 0.23059; TOPMed 0.19828; gnomAD 0.18442 and 0.19979; ExAC 0.26282; 1000 Genomes Project 0.30112; 1000 Genomes Project 30x 0.29247.

Submissions (5):

Unidad de Genómica Garrahan, Hospital de Pediatría Garrahan
Classification: Benign. Last evaluated: 2024-07-15. Review status: criteria provided, single submitter. Criteria: ACMG Guidelines, 2015. Collection method: clinical testing. Allele origin: germline. Affected: no. Observed: 30 variant alleles.
Comment: This variant is classified as Benign based on local population frequency. This variant was detected in 32% of patients studied in a panel designed for Epileptic and Developmental Encephalopathy and Progressive Myoclonus Epilepsy. Number of patients: 30. Only high quality variants are reported.

Genome-Nilou Lab
Classification: Benign for Autosomal dominant nonsyndromic hearing loss 17. Last evaluated: 2021-09-05. Review status: criteria provided, single submitter. Criteria: ACMG Guidelines, 2015. Collection method: clinical testing. Allele origin: germline. Affected: no.

Genome-Nilou Lab
Classification: Benign for Macrothrombocytopenia and granulocyte inclusions with or without nephritis or sensorineural hearing loss. Last evaluated: 2021-09-05. Review status: criteria provided, single submitter. Criteria: ACMG Guidelines, 2015. Collection method: clinical testing. Allele origin: germline. Affected: no.

GeneDx
Classification: Benign. Last evaluated: 2018-06-16. Review status: criteria provided, single submitter. Criteria: GeneDx Variant Classification (06012015). Collection method: clinical testing. Allele origin: germline. Affected: yes.
Comment: This variant is considered likely benign or benign based on one or more of the following criteria: it is a conservative change, it occurs at a poorly conserved position in the protein, it is predicted to be benign by multiple in silico algorithms, and/or has population frequency not consistent with disease.

PreventionGenetics, part of Exact Sciences
Classification: Benign. Review status: criteria provided, single submitter. Criteria: ACMG Guidelines, 2015. Collection method: clinical testing. Allele origin: germline.